The following is an entry in ClinVar:

NM_018129.4(PNPO):c.583T>C (p.Tyr195His)

Gene: PNPO (pyridoxamine 5'-phosphate oxidase; plus strand). Cytogenetic location: 17q21.32.
Variant type: single nucleotide variant.
Coding change: c.583T>C on transcript NM_018129.4 (MANE Select); coding-DNA position 583, T replaced by C.
Protein change: p.Tyr195His; replaces tyrosine 195 with histidine.
Molecular consequence: missense variant.
Genome position (GRCh38, 1-based): chr17:47,946,359, T>C. VCF-style: chr17-47946359-T-C. GRCh37 (hg19) VCF-style: chr17-46023725-T-C.
Other names: short protein forms Y195H.
Identifiers: ClinVar variation 1499627 (VCV001499627.3), dbSNP rs747870171, ClinGen allele CA8629242.

ClinVar aggregate classification (germline): Uncertain significance (1 of 4 stars; one submission).

Conditions:
Pyridoxal phosphate-responsive seizures (PNPOD). Also called: EPILEPTIC ENCEPHALOPATHY, NEONATAL, PNPO-RELATED; SEIZURES, PYRIDOXINE-RESISTANT, PLP-SENSITIVE; Pyridoxamine 5-Prime-Phosphate Oxidase Deficiency; Pyridoxine-5'-phosphate oxidase deficiency; Pyridoxal 5'-Phosphate (PLP)-Dependent Epilepsy. Identifiers: Orphanet 79096, MedGen C1864723, MONDO:0012407, OMIM 610090. Disease mechanism: loss of function.

Allele frequency attached by ClinVar (database versions not stated): ExAC 0.00001; gnomAD 0.00001; TOPMed 0.00001; gnomAD exomes 0.00002 and below 0.00001.
gnomAD v4.1: 29 of 1,613,636 alleles (0.0018%); highest among the groups gnomAD compares: Non-Finnish European, 0.0025%; no homozygotes.

Submission:

Labcorp Genetics (formerly Invitae), Labcorp
Classification: Uncertain significance for Pyridoxal phosphate-responsive seizures. Last evaluated: 2021-11-09. Review status: criteria provided, single submitter. Criteria: Invitae Variant Classification Sherloc (09022015). Collection method: clinical testing. Allele origin: germline.
Comment: This sequence change replaces tyrosine, which is neutral and polar, with histidine, which is basic and polar, at codon 195 of the PNPO protein (p.Tyr195His). This variant is present in population databases (rs747870171, gnomAD 0.0009%). This variant has not been reported in the literature in individuals affected with PNPO-related conditions. Algorithms developed to predict the effect of missense changes on protein structure and function are either unavailable or do not agree on the potential impact of this missense change (SIFT: "Tolerated"; PolyPhen-2: "Probably Damaging"; Align-GVGD: "Class C0"). In summary, the available evidence is currently insufficient to determine the role of this variant in disease. Therefore, it has been classified as a Variant of Uncertain Significance.